The following is an entry in ClinVar:

NM_006929.5(SKIC2):c.1037T>A (p.Ile346Asn)

Genes: SKIC2 (SKI2 subunit of superkiller complex; plus strand), LOC126859653 (CDK7 strongly-dependent group 2 enhancer GRCh37_chr6:31929542-31930741; plus strand). Cytogenetic location: 6p21.33.
Variant type: single nucleotide variant.
Coding change: c.1037T>A on transcript NM_006929.5 (MANE Select); coding-DNA position 1037, T replaced by A.
Protein change: p.Ile346Asn; replaces isoleucine 346 with asparagine.
Molecular consequence: missense variant.
Genome position (GRCh38, 1-based): chr6:31,962,027, T>A. VCF-style: chr6-31962027-T-A. GRCh37 (hg19) VCF-style: chr6-31929804-T-A.
Other names: short protein forms I346N.
Identifiers: ClinVar variation 1433313 (VCV001433313.6), dbSNP rs767106312, ClinGen allele CA363449393.

ClinVar aggregate classification (germline): Uncertain significance (1 of 4 stars; one submission).

Submission:

Labcorp Genetics (formerly Invitae), Labcorp
Classification: Uncertain significance. Last evaluated: 2025-04-07. Review status: criteria provided, single submitter. Criteria: Invitae Variant Classification Sherloc (09022015). Collection method: clinical testing. Allele origin: germline.
Comment: This sequence change replaces isoleucine, which is neutral and non-polar, with asparagine, which is neutral and polar, at codon 346 of the SKIV2L protein (p.Ile346Asn). This variant is not present in population databases (gnomAD no frequency). This variant has not been reported in the literature in individuals affected with SKIV2L-related conditions. ClinVar contains an entry for this variant (Variation ID: 1433313). An algorithm developed to predict the effect of missense changes on protein structure and function (PolyPhen-2) suggests that this variant is likely to be disruptive. In summary, the available evidence is currently insufficient to determine the role of this variant in disease. Therefore, it has been classified as a Variant of Uncertain Significance.